The following is an entry in ClinVar:

NM_000255.4(MMUT):c.1025C>A (p.Ser342Ter)

Gene: MMUT (methylmalonyl-CoA mutase; minus strand). Cytogenetic location: 6p12.3.
Variant type: single nucleotide variant.
Coding change: c.1025C>A on transcript NM_000255.4 (MANE Select); coding-DNA position 1025, C replaced by A.
Protein change: p.Ser342Ter; replaces serine 342 with a stop codon.
Molecular consequence: nonsense.
Genome position (GRCh38, 1-based): chr6:49,453,643, G>T on the plus strand (C>A on the coding strand, the complement: MMUT is on the minus strand). VCF-style: chr6-49453643-G-T. GRCh37 (hg19) VCF-style: chr6-49421356-G-T.
Other names: short protein forms S342*.
Identifiers: ClinVar variation 495777 (VCV000495777.12), dbSNP rs770466993, ClinGen allele CA3846982.

ClinVar aggregate classification (germline): Pathogenic. Review status: criteria provided, multiple submitters, no conflicts (2 of 4 stars). 4 submissions from 4 submitters: Pathogenic (3). 1 of the submissions does not count toward it. Last evaluated 2024-11-21.

Conditions:
Methylmalonic aciduria due to complete methylmalonyl-CoA mutase deficiency.
Methylmalonic acidemia (MMA). Also called: Isolated Methylmalonic Acidemia. Identifiers: MedGen C0268583, MeSH C537358, MONDO:0002012, HP:0002912.
Methylmalonic aciduria due to methylmalonyl-CoA mutase deficiency (MAMM). Also called: Methylmalonic aciduria, mut type. Identifiers: Orphanet 27, MedGen C1855114, MONDO:0009612, OMIM 251000.

gnomAD v4.1: 30 of 1,613,090 alleles (0.0019%); highest among the groups gnomAD compares: Non-Finnish European, 0.0025%; no homozygotes.

Submissions (4):

Natera, Inc.
Classification: Pathogenic for Methylmalonic aciduria due to complete methylmalonyl-CoA mutase deficiency. Last evaluated: 2024-11-21. Review status: criteria provided, single submitter. Criteria: Natera Variant Classification Schema (03/2026). Collection method: clinical testing. Allele origin: germline.
Comment: The c.1025C>A variant in MMUT is a nonsense variant predicted to introduce a stop codon at amino acid 342. This variant is expected to result in nonsense mediated decay, truncation, or a dysfunctional protein product. This variant is rare in the general population with a frequency below the threshold expected for the associated phenotype(s). This variant has been observed in one or more individuals affected with the associated recessive disease, as either homozygous or compound heterozygous with a second variant (PMID: 19375370). Given the available evidence, this variant is classified as Pathogenic.

Labcorp Genetics (formerly Invitae), Labcorp
Classification: Pathogenic. Last evaluated: 2024-02-06. Review status: criteria provided, single submitter. Criteria: Invitae Variant Classification Sherloc (09022015). Collection method: clinical testing. Allele origin: germline.
Comment: This sequence change creates a premature translational stop signal (p.Ser342*) in the MUT gene. It is expected to result in an absent or disrupted protein product. Loss-of-function variants in MUT are known to be pathogenic (PMID: 15781192). This variant is present in population databases (rs770466993, gnomAD 0.0009%). This premature translational stop signal has been observed in individuals with MUT-related conditions (PMID: 15643616, 19375370). ClinVar contains an entry for this variant (Variation ID: 495777). Algorithms developed to predict the effect of sequence changes on RNA splicing suggest that this variant may disrupt the consensus splice site. For these reasons, this variant has been classified as Pathogenic.

Women's Health and Genetics/Laboratory Corporation of America, LabCorp
Classification: Pathogenic for Methylmalonic acidemia. Last evaluated: 2017-06-26. Review status: criteria provided, single submitter. Criteria: LabCorp Variant Classification Summary - May 2015. Collection method: clinical testing. Allele origin: germline.
Comment: Variant summary: The MUT c.1025C>A (p.Ser342X) variant results in a premature termination codon, predicted to cause a truncated or absent MUT protein due to nonsense mediated decay, which are commonly known mechanisms for disease. One truncation downstream of this position has been classified as pathogenic by our laboratory (e.g. c.1399C>T, p.Arg467X). One in silico tool predicts a damaging outcome for this variant. The variant of interest has been found in a large, broad control population, ExAC in 1/121004 control chromosomes at a frequency of 0.0000083, which does not exceed the estimated maximal expected allele frequency of a pathogenic MUT variant (0.0024152). This variant was found in methylmalonic acidemia patients in compound heterozigosity with other pathogenic variants such as MUT c.2080C>T, p.Arg694Trp and c.572C>A, p.Ala191Glu (Acquaviva_HumMut_2005, Nizon_Orph J Rare Dis_2013). Taken together, this variant is classified as pathogenic.

Counsyl
Classification: Pathogenic for Methylmalonic aciduria due to methylmalonyl-CoA mutase deficiency. Last evaluated: 2017-02-03. Review status: no assertion criteria provided. Collection method: clinical testing. Allele origin: unknown. Not counted in ClinVar's aggregate classification.

Literature cited by the submitters: PubMed 19375370 (cited by 3 submitters); PubMed 15781192 (cited by Labcorp Genetics (formerly Invitae), Labcorp); PubMed 15643616 (cited by Labcorp Genetics (formerly Invitae), Labcorp and Women's Health and Genetics/Laboratory Corporation of America, LabCorp); PubMed 25525159 (cited by Women's Health and Genetics/Laboratory Corporation of America, LabCorp and Counsyl); PubMed 24059531 (cited by Counsyl).